The following is an entry in ClinVar:

NM_002840.5(PTPRF):c.3389+4T>G

Gene: PTPRF (protein tyrosine phosphatase receptor type F; plus strand). Cytogenetic location: 1p34.2.
Variant type: single nucleotide variant.
Coding change: c.3389+4T>G on transcript NM_002840.5 (MANE Select); 4 bases into the intron after coding-DNA position 3389, T replaced by G.
Molecular consequence: intron variant.
Genome position (GRCh38, 1-based): chr1:43,605,447, T>G. VCF-style: chr1-43605447-T-G. GRCh37 (hg19) VCF-style: chr1-44071118-T-G.
Other names: c.2534+4T>G (NM_001329138.2); c.2522+4T>G (NM_001329137.2); c.3362+4T>G (NM_130440.4); c.2504+4T>G (NM_001329139.2); c.2477+4T>G (NM_001329140.2).
Identifiers: ClinVar variation 3053859 (VCV003053859.2), dbSNP rs1205555411, ClinGen allele CA522807264.

ClinVar aggregate classification (germline): Likely benign (0 of 4 stars; one submission).

Conditions:
PTPRF-related disorder. Also called: PTPRF-related condition.

Allele frequency attached by ClinVar (database versions not stated): gnomAD exomes below 0.00001.
gnomAD v4.1: 5 of 1,609,784 alleles (0.00031%); highest among the groups gnomAD compares: Non-Finnish European, 0.00043%; no homozygotes.

Submission:

PreventionGenetics, part of Exact Sciences
Classification: Likely benign for PTPRF-related condition. Last evaluated: 2019-08-13. Review status: no assertion criteria provided. Collection method: clinical testing. Allele origin: germline.
Comment: This variant is classified as likely benign based on ACMG/AMP sequence variant interpretation guidelines (Richards et al. 2015 PMID: 25741868, with internal and published modifications).